The following is an entry in ClinVar:

ClinVar aggregate classification (germline): Uncertain significance (1 of 4 stars; one submission).

Conditions:
Primary ciliary dyskinesia. Also called: Ciliary dyskinesia. Identifiers: Orphanet 244, MedGen C0008780, MONDO:0016575, HP:0012265.

Submission:

Labcorp Genetics (formerly Invitae), Labcorp
Classification: Uncertain significance for Primary ciliary dyskinesia. Last evaluated: 2020-06-27. Review status: criteria provided, single submitter. Criteria: Invitae Variant Classification Sherloc (09022015). Collection method: clinical testing. Allele origin: germline.
Comment: In summary, the available evidence is currently insufficient to determine the role of this variant in disease. Therefore, it has been classified as a Variant of Uncertain Significance. Algorithms developed to predict the effect of missense changes on protein structure and function (SIFT, PolyPhen-2, Align-GVGD) all suggest that this variant is likely to be disruptive, but these predictions have not been confirmed by published functional studies and their clinical significance is uncertain. This variant has not been reported in the literature in individuals with DNAH11-related conditions. This variant is not present in population databases (ExAC no frequency). This sequence change replaces proline with histidine at codon 2021 of the DNAH11 protein (p.Pro2021His). The proline residue is highly conserved and there is a moderate physicochemical difference between proline and histidine.

NM_001277115.2(DNAH11):c.6062C>A (p.Pro2021His)

Gene: DNAH11 (dynein axonemal heavy chain 11; plus strand). Cytogenetic location: 7p15.3.
Variant type: single nucleotide variant.
Coding change: c.6062C>A on transcript NM_001277115.2 (MANE Select); coding-DNA position 6062, C replaced by A.
Protein change: p.Pro2021His; replaces proline 2021 with histidine.
Molecular consequence: missense variant.
Genome position (GRCh38, 1-based): chr7:21,698,095, C>A. VCF-style: chr7-21698095-C-A. GRCh37 (hg19) VCF-style: chr7-21737713-C-A.
Other names: short protein forms P2021H.
Identifiers: ClinVar variation 1002378 (VCV001002378.9), dbSNP rs1227418580, ClinGen allele CA366934833.